The following is an entry in ClinVar:

NM_015021.3(ZNF292):c.3441A>G (p.Thr1147=)

Gene: ZNF292 (zinc finger protein 292; plus strand). Cytogenetic location: 6q14.3.
Variant type: single nucleotide variant.
Coding change: c.3441A>G on transcript NM_015021.3 (MANE Select); coding-DNA position 3441, A replaced by G.
Protein change: p.Thr1147=; no amino-acid change (threonine 1147 retained).
Molecular consequence: synonymous variant.
Genome position (GRCh38, 1-based): chr6:87,257,070, A>G. VCF-style: chr6-87257070-A-G. GRCh37 (hg19) VCF-style: chr6-87966788-A-G.
Other names: c.3021A>G, p.Thr1007= (NM_001351444.2).
Identifiers: ClinVar variation 3061707 (VCV003061707.2), dbSNP rs561443203, ClinGen allele CA3914113.

ClinVar aggregate classification (germline): Likely benign (0 of 4 stars; one submission).

Conditions:
ZNF292-related disorder. Also called: ZNF292-related condition.

Allele frequency attached by ClinVar (database versions not stated): gnomAD exomes below 0.00001; gnomAD 0.00001; ExAC 0.00002; 1000 Genomes Project 30x 0.00016; 1000 Genomes Project 0.00020.
gnomAD v4.1: 6 of 1,613,868 alleles (0.00037%); highest among the groups gnomAD compares: South Asian, 0.0066%; no homozygotes.

Submission:

PreventionGenetics, part of Exact Sciences
Classification: Likely benign for ZNF292-related condition. Last evaluated: 2021-10-27. Review status: no assertion criteria provided. Collection method: clinical testing. Allele origin: germline.
Comment: This variant is classified as likely benign based on ACMG/AMP sequence variant interpretation guidelines (Richards et al. 2015 PMID: 25741868, with internal and published modifications).